The following is an entry in ClinVar:

NM_001384732.1(CPLANE1):c.5440A>G (p.Thr1814Ala)

Gene: CPLANE1 (ciliogenesis and planar polarity effector complex subunit 1; minus strand). Cytogenetic location: 5p13.2.
Variant type: single nucleotide variant.
Coding change: c.5440A>G on transcript NM_001384732.1 (MANE Select); coding-DNA position 5440, A replaced by G.
Protein change: p.Thr1814Ala; replaces threonine 1814 with alanine.
Molecular consequence: missense variant.
Genome position (GRCh38, 1-based): chr5:37,180,987, T>C on the plus strand (A>G on the coding strand, the complement: CPLANE1 is on the minus strand). VCF-style: chr5-37180987-T-C. GRCh37 (hg19) VCF-style: chr5-37181089-T-C.
Other names: c.5440A>G, p.Thr1814Ala (NM_023073.4); short protein forms T1814A.
Identifiers: ClinVar variation 537710 (VCV000537710.9), dbSNP rs760844546, ClinGen allele CA3238536.

ClinVar aggregate classification (germline): Uncertain significance (1 of 4 stars; one submission).

Allele frequency attached by ClinVar (database versions not stated): gnomAD exomes 0.00001; ExAC 0.00002.
gnomAD v4.1: 3 of 1,613,950 alleles (0.00019%); highest among the groups gnomAD compares: South Asian, 0.0011%; no homozygotes.

Submission:

Labcorp Genetics (formerly Invitae), Labcorp
Classification: Uncertain significance. Last evaluated: 2017-09-27. Review status: criteria provided, single submitter. Criteria: Invitae Variant Classification Sherloc (09022015). Collection method: clinical testing. Allele origin: germline.
Comment: This variant is present in population databases (rs760844546, ExAC 0.006%). In summary, the available evidence is currently insufficient to determine the role of this variant in disease. Therefore, it has been classified as a Variant of Uncertain Significance. Algorithms developed to predict the effect of missense changes on protein structure and function output the following: SIFT: "Tolerated"; PolyPhen-2: "Benign"; Align-GVGD: "Class C0". The alanine amino acid residue is found in multiple mammalian species, suggesting that this missense change does not adversely affect protein function. These predictions have not been confirmed by published functional studies and their clinical significance is uncertain. This variant has not been reported in the literature in individuals with C5orf42-related disease. This sequence change replaces threonine with alanine at codon 1814 of the C5orf42 protein (p.Thr1814Ala). The threonine residue is weakly conserved and there is a small physicochemical difference between threonine and alanine.